The following is an entry in ClinVar:

ClinVar aggregate classification (germline): Uncertain significance (1 of 4 stars; one submission).

Submission:

Women's Health and Genetics/Laboratory Corporation of America, LabCorp
Classification: Uncertain significance. Last evaluated: 2026-01-19. Review status: criteria provided, single submitter. Criteria: LabCorp Variant Classification Summary - May 2015. Collection method: clinical testing. Allele origin: germline.
Comment: Variant summary: IGF2 c.17G>T (p.Gly6Val) results in a non-conservative amino acid change in the encoded protein sequence. Algorithms developed to predict the effect of missense changes on protein structure and function are either unavailable or do not agree on the potential impact of this missense change. The variant allele was found at a frequency of 1.2e-05 in 249942 control chromosomes. The available data on variant occurrences in the general population are insufficient to allow any conclusion about variant significance. To our knowledge, no occurrence of c.17G>T in individuals affected with IGF2-related conditions and no experimental evidence demonstrating its impact on protein function have been reported. No submitters have cited clinical-significance assessments for this variant to ClinVar. Based on the evidence outlined above, the variant was classified as uncertain significance.

NM_000612.6(IGF2):c.17G>T (p.Gly6Val)

Genes: IGF2 (insulin like growth factor 2; minus strand), INS-IGF2 (INS-IGF2 readthrough; minus strand). Cytogenetic location: 11p15.5.
Variant type: single nucleotide variant.
Coding change: c.17G>T on transcript NM_000612.6 (MANE Select); coding-DNA position 17, G replaced by T.
Protein change: p.Gly6Val; replaces glycine 6 with valine.
Molecular consequence: missense variant. On other transcripts: non-coding transcript variant (1).
Genome position (GRCh38, 1-based): chr11:2,135,507, C>A on the plus strand (G>T on the coding strand, the complement: IGF2 is on the minus strand). VCF-style: chr11-2135507-C-A. GRCh37 (hg19) VCF-style: chr11-2156737-C-A.
Other names: c.17G>T, p.Gly6Val (NM_001007139.6, NM_001291861.3, NM_001291862.3); c.185G>T, p.Gly62Val (NM_001127598.3); short protein forms G62V, G6V.
Identifiers: ClinVar variation 4689254 (VCV004689254.1).
Genomic context (GRCh38, chr11:2,135,507, plus strand): 5'-TAAGCAGCAATGCAGCACGAGGCGAAGGCCAAGAAGGTGAGAAGCACCAGCATCGACTTC[C>A]CCATTGGGATTCCCATTGGTGTCTGGGGGCGGGAGAGAAGTGGCGTGAGCGGGGCAGCCA-3'
Protein context (NP_000603.1, residues 1-16): MGIPM[Gly6Val]KSMLVLLTFL